The following is an entry in ClinVar:

NM_001018072.2(ABTB3):c.1843G>A (p.Gly615Arg)

Gene: ABTB3 (ankyrin repeat and BTB domain containing 3; plus strand). Cytogenetic location: 12q23.3.
Variant type: single nucleotide variant.
Coding change: c.1843G>A on transcript NM_001018072.2 (MANE Select); coding-DNA position 1843, G replaced by A.
Protein change: p.Gly615Arg; replaces glycine 615 with arginine.
Molecular consequence: missense variant.
Genome position (GRCh38, 1-based): chr12:107,612,813, G>A. VCF-style: chr12-107612813-G-A. GRCh37 (hg19) VCF-style: chr12-108006590-G-A.
Other names: c.454G>A, p.Gly152Arg (NM_001017523.2); c.1843G>A, p.Gly615Arg (NM_001347943.2); c.745G>A, p.Gly249Arg (NM_001347944.1); short protein forms G152R, G249R, G615R.
Identifiers: ClinVar variation 2672137 (VCV002672137.1), dbSNP rs779018173, ClinGen allele CA386406158.

ClinVar aggregate classification (germline): Uncertain significance (1 of 4 stars; one submission).

gnomAD v4.1: 1 of 1,613,884 alleles (0.000062%); highest among the groups gnomAD compares: South Asian, 0.0011%; no homozygotes.

Submission:

Clinical Genomics Laboratory, Washington University in St. Louis
Classification: Uncertain significance. Last evaluated: 2023-09-14. Review status: criteria provided, single submitter. Criteria: ACMG Guidelines, 2015. Collection method: clinical testing. Allele origin: germline.
Comment: The BTBD11 c.1843G>A (p.Gly615Arg) variant, to our knowledge, has not been reported in the medical literature and is absent from the general population (gnomAD v.2.1.1), indicating it is not a common variant. This variant occurs in an ankyrin repeat domain in a linker domain between two alpha helices, and alters a non polar glycine to positively charged arginine. Computational predictors indicate that the variant is damaging, evidence that correlates with impact to BTBD11 function. Due to limited information, the clinical significance of this variant is uncertain.